The following is an entry in ClinVar:

ClinVar aggregate classification (germline): Uncertain significance (1 of 4 stars; one submission).

Conditions:
Hereditary spastic paraplegia 30. Identifiers: Orphanet 101010, MedGen C5235139, MONDO:0012476.
Neuropathy, hereditary sensory, type 2C. Also called: Hereditary sensory and autonomic neuropathy type IIC; KIF1A-Related HSAN2 (HSAN2C). Identifiers: Orphanet 970, MedGen C3280168, MONDO:0013634, OMIM 614213.
Intellectual disability, autosomal dominant 9 (NESCAVS). Also called: NESCAV SYNDROME; KIF1A-Related Neurodevelopmental Disorder. Identifiers: Orphanet 662367, MedGen C5393830, MONDO:0013656, OMIM 614255.

Allele frequency attached by ClinVar (database versions not stated): gnomAD exomes below 0.00001; TOPMed below 0.00001.
gnomAD v4.1: 15 of 1,612,368 alleles (0.00093%); highest among the groups gnomAD compares: African/African-American, 0.004%; no homozygotes.

Submission:

Labcorp Genetics (formerly Invitae), Labcorp
Classification: Uncertain significance for Hereditary spastic paraplegia 30; Neuropathy, hereditary sensory, type 2C; Intellectual disability, autosomal dominant 9. Last evaluated: 2024-12-09. Review status: criteria provided, single submitter. Criteria: Invitae Variant Classification Sherloc (09022015). Collection method: clinical testing. Allele origin: germline.
Comment: This sequence change replaces asparagine, which is neutral and polar, with lysine, which is basic and polar, at codon 1276 of the KIF1A protein (p.Asn1276Lys). This variant is not present in population databases (gnomAD no frequency). This variant has not been reported in the literature in individuals affected with KIF1A-related conditions. ClinVar contains an entry for this variant (Variation ID: 1401581). Invitae Evidence Modeling of protein sequence and biophysical properties (such as structural, functional, and spatial information, amino acid conservation, physicochemical variation, residue mobility, and thermodynamic stability) indicates that this missense variant is not expected to disrupt KIF1A protein function with a negative predictive value of 95%. In summary, the available evidence is currently insufficient to determine the role of this variant in disease. Therefore, it has been classified as a Variant of Uncertain Significance.

NM_001244008.2(KIF1A):c.4131C>G (p.Asn1377Lys)

Gene: KIF1A (kinesin family member 1A; minus strand). Cytogenetic location: 2q37.3.
Variant type: single nucleotide variant.
Coding change: c.4131C>G on transcript NM_001244008.2 (MANE Select); coding-DNA position 4131, C replaced by G.
Protein change: p.Asn1377Lys; replaces asparagine 1377 with lysine.
Molecular consequence: missense variant.
Genome position (GRCh38, 1-based): chr2:240,725,396, G>C on the plus strand (C>G on the coding strand, the complement: KIF1A is on the minus strand). VCF-style: chr2-240725396-G-C. GRCh37 (hg19) VCF-style: chr2-241664813-G-C.
Other names: c.3855C>G, p.Asn1285Lys (NM_001320705.2, NM_001379649.1); c.3882C>G, p.Asn1294Lys (NM_001330289.2); c.3930C>G, p.Asn1310Lys (NM_001330290.2, NM_001379648.1); c.4206C>G, p.Asn1402Lys (NM_001379631.1); c.4107C>G, p.Asn1369Lys (NM_001379632.1); c.4104C>G, p.Asn1368Lys (NM_001379633.1, NM_001379645.1); c.3957C>G, p.Asn1319Lys (NM_001379634.1); c.3954C>G, p.Asn1318Lys (NM_001379635.1, NM_001379646.1); and 7 more; short protein forms N1284K, N1293K, N1310K, N1319K, N1368K, N1276K, N1369K, N1377K.
Identifiers: ClinVar variation 1401581 (VCV001401581.6), dbSNP rs562072254, ClinGen allele CA68140367.